The following is an entry in ClinVar:

ClinVar aggregate classification (germline): not provided (0 of 4 stars; one submission).

Submission:

ITMI
No classification provided. Condition: AllHighlyPenetrant. Last evaluated: 2013-09-19. Review status: no classification provided. Collection method: reference population. Allele origin: germline.
Comment: Please see associated publication for description of ethnicities

Literature cited by the submitters: PubMed 24728327.

NM_000377.3(WAS):c.58C>G (p.Gln20Glu)

Gene: WAS (WASP actin nucleation promoting factor; plus strand). Cytogenetic location: Xp11.23.
Variant type: single nucleotide variant.
Coding change: c.58C>G on transcript NM_000377.3 (MANE Select); coding-DNA position 58, C replaced by G.
Protein change: p.Gln20Glu; replaces glutamine 20 with glutamic acid.
Molecular consequence: missense variant.
Genome position (GRCh38, 1-based): chrX:48,683,911, C>G. VCF-style: chrX-48683911-C-G. GRCh37 (hg19) VCF-style: chrX-48542300-C-G.
Other names: short protein forms Q20E.
Identifiers: ClinVar variation 135409 (VCV000135409.1), dbSNP rs797044477, ClinGen allele CA162672.